The following is an entry in ClinVar:

ClinVar aggregate classification (germline): Benign. Review status: criteria provided, multiple submitters, no conflicts (2 of 4 stars). 14 submissions from 11 submitters: Benign (11). 3 of the submissions do not count toward it. Last evaluated 2026-02-03.

Conditions:
Dilated cardiomyopathy 1G (CMD1G). Identifiers: Orphanet 154, MedGen C1858763, MONDO:0011400, OMIM 604145.
Autosomal recessive limb-girdle muscular dystrophy type 2J (LGMDR10). Also called: Limb-girdle muscular dystrophy, type 2J; MUSCULAR DYSTROPHY, LIMB-GIRDLE, AUTOSOMAL RECESSIVE 10. Identifiers: Orphanet 140922, MedGen C1837342, MONDO:0012127, OMIM 608807.
Myopathy, myofibrillar, 9, with early respiratory failure (MFM9). Also called: MYOPATHY, PROXIMAL, WITH EARLY RESPIRATORY MUSCLE INVOLVEMENT; EDSTROM MYOPATHY; Hereditary myopathy with early respiratory failure; Myopathy, distal, with early respiratory failure, autosomal dominant. Identifiers: Orphanet 178464, Orphanet 34521, MedGen C1863599, MONDO:0011362, OMIM 603689.
Hypertrophic cardiomyopathy 9. Also called: Familial hypertrophic cardiomyopathy 9. Identifiers: MedGen C1861065, MONDO:0013412, OMIM 613765.
Tibial muscular dystrophy (TMD). Also called: UDD MYOPATHY; Tibial muscular dystrophy, tardive; Udd Distal Myopathy – Tibial Muscular Dystrophy. Identifiers: Orphanet 609, MedGen C1838244, MONDO:0010870, OMIM 600334.
Early-onset myopathy with fatal cardiomyopathy (CMYO5). Also called: Salih Myopathy; CONGENITAL MYOPATHY 5 WITH CARDIOMYOPATHY. Identifiers: Orphanet 289377, MedGen C2673677, MONDO:0012714, OMIM 611705. Disease mechanism: loss of function.

Allele frequency attached by ClinVar (database versions not stated): ExAC 0.00526; 1000 Genomes Project 0.01597; gnomAD 0.01683 and 0.01831; TOPMed 0.01960; ESP Exome Variant Server 0.01983; 1000 Genomes Project 30x 0.01624; gnomAD exomes 0.00164 and 0.00438.
gnomAD v4.1: 5,056 of 1,607,286 alleles (0.31%); highest among the groups gnomAD compares: African/African-American, 6.1%; 147 homozygotes.

Submissions (14):

Labcorp Genetics (formerly Invitae), Labcorp
Classification: Benign for Dilated cardiomyopathy 1G; Autosomal recessive limb-girdle muscular dystrophy type 2J. Last evaluated: 2026-02-03. Review status: criteria provided, single submitter. Criteria: Invitae Variant Classification Sherloc (09022015). Collection method: clinical testing. Allele origin: germline.

ARUP Laboratories, Molecular Genetics and Genomics, ARUP Laboratories
Classification: Benign. Last evaluated: 2025-05-14. Review status: criteria provided, single submitter. Criteria: ARUP Molecular Germline Variant Investigation Process 2024. Collection method: clinical testing. Allele origin: germline.

Fulgent Genetics
Classification: Benign for Tibial muscular dystrophy; Myopathy, myofibrillar, 9, with early respiratory failure; Dilated cardiomyopathy 1G; Autosomal recessive limb-girdle muscular dystrophy type 2J; Early-onset myopathy with fatal cardiomyopathy; Hypertrophic cardiomyopathy 9. Last evaluated: 2021-09-21. Review status: criteria provided, single submitter. Criteria: ACMG Guidelines, 2015. Collection method: clinical testing. Allele origin: unknown.

Genome-Nilou Lab
Classification: Benign for Autosomal recessive limb-girdle muscular dystrophy type 2J. Last evaluated: 2021-09-10. Review status: criteria provided, single submitter. Criteria: ACMG Guidelines, 2015. Collection method: clinical testing. Allele origin: germline. Affected: no.

Genome-Nilou Lab
Classification: Benign for Myopathy, myofibrillar, 9, with early respiratory failure. Last evaluated: 2021-09-10. Review status: criteria provided, single submitter. Criteria: ACMG Guidelines, 2015. Collection method: clinical testing. Allele origin: germline. Affected: no.

Genome-Nilou Lab
Classification: Benign for Early-onset myopathy with fatal cardiomyopathy. Last evaluated: 2021-09-10. Review status: criteria provided, single submitter. Criteria: ACMG Guidelines, 2015. Collection method: clinical testing. Allele origin: germline. Affected: no.

Genome-Nilou Lab
Classification: Benign for Tibial muscular dystrophy. Last evaluated: 2021-09-10. Review status: criteria provided, single submitter. Criteria: ACMG Guidelines, 2015. Collection method: clinical testing. Allele origin: germline. Affected: no.

Women's Health and Genetics/Laboratory Corporation of America, LabCorp
Classification: Benign. Last evaluated: 2020-04-12. Review status: criteria provided, single submitter. Criteria: LabCorp Variant Classification Summary - May 2015. Collection method: clinical testing. Allele origin: germline.

GeneDx
Classification: Benign. Last evaluated: 2014-04-29. Review status: criteria provided, single submitter. Criteria: GeneDx Variant Classification (06012015). Collection method: clinical testing. Allele origin: germline. Affected: yes.
Comment: This variant is considered likely benign or benign based on one or more of the following criteria: it is a conservative change, it occurs at a poorly conserved position in the protein, it is predicted to be benign by multiple in silico algorithms, and/or has population frequency not consistent with disease.

Breakthrough Genomics
Classification: Benign. Review status: criteria provided, single submitter. Criteria: ACMG Guidelines, 2015. Collection method: not provided. Allele origin: germline. Inheritance: Autosomal recessive inheritance. Affected: yes.

PreventionGenetics, part of Exact Sciences
Classification: Benign. Review status: criteria provided, single submitter. Criteria: ACMG Guidelines, 2015. Collection method: clinical testing. Allele origin: germline.

Clinical Genetics DNA and cytogenetics Diagnostics Lab, Erasmus MC, Erasmus Medical Center
Classification: Benign. Review status: no assertion criteria provided. Collection method: clinical testing. Allele origin: germline. Affected: yes. Study: VKGL Data-share Consensus. Not counted in ClinVar's aggregate classification.

Clinical Genetics, Academic Medical Center
Classification: Benign. Review status: no assertion criteria provided. Collection method: clinical testing. Allele origin: germline. Affected: yes. Study: VKGL Data-share Consensus. Not counted in ClinVar's aggregate classification.

Diagnostic Laboratory, Department of Genetics, University Medical Center Groningen
Classification: Likely benign. Review status: no assertion criteria provided. Collection method: clinical testing. Allele origin: germline. Affected: yes. Study: VKGL Data-share Consensus. Not counted in ClinVar's aggregate classification.

NM_001267550.2(TTN):c.49648+16T>C

Genes: TTN (titin; minus strand), TTN-AS1 (TTN antisense RNA 1; plus strand). Cytogenetic location: 2q31.2.
Variant type: single nucleotide variant.
Coding change: c.49648+16T>C on transcript NM_001267550.2 (MANE Select); 16 bases into the intron after coding-DNA position 49648, T replaced by C.
Molecular consequence: intron variant.
Genome position (GRCh38, 1-based): chr2:178,613,145, A>G on the plus strand (T>C on the coding strand, the complement: TTN is on the minus strand). VCF-style: chr2-178613145-A-G. GRCh37 (hg19) VCF-style: chr2-179477872-A-G.
Other names: c.44725+16T>C (NM_001256850.1); c.41944+16T>C (NM_133378.4); c.22453+16T>C (NM_003319.4); c.23029+16T>C (NM_133437.4); c.22828+16T>C (NM_133432.3).
Identifiers: ClinVar variation 137793 (VCV000137793.34), dbSNP rs57677875, ClinGen allele CA291458.